The following is an entry in ClinVar:

NM_015910.7(WDPCP):c.872T>G (p.Phe291Cys)

Gene: WDPCP (WD repeat containing planar cell polarity effector; minus strand). Cytogenetic location: 2p15.
Variant type: single nucleotide variant.
Coding change: c.872T>G on transcript NM_015910.7 (MANE Select); coding-DNA position 872, T replaced by G.
Protein change: p.Phe291Cys; replaces phenylalanine 291 with cysteine.
Molecular consequence: missense variant. On other transcripts: non-coding transcript variant (3).
Genome position (GRCh38, 1-based): chr2:63,404,611, A>C on the plus strand (T>G on the coding strand, the complement: WDPCP is on the minus strand). VCF-style: chr2-63404611-A-C. GRCh37 (hg19) VCF-style: chr2-63631746-A-C.
Other names: c.395T>G, p.Phe132Cys (NM_001042692.3); c.800T>G, p.Phe267Cys (NM_001354044.2); c.872T>G, p.Phe291Cys (NM_001354045.2); short protein forms F267C, F291C, F132C.
Identifiers: ClinVar variation 4993309 (VCV004993309.1).
Genomic context (GRCh38, chr2:63,404,611, plus strand): 5'-TCTTTGTCTACACTTACGGAGTGCTCCACTGTGAACACCTGATAAGGCTGTTTGGTGCCA[A>C]AGCGAACATCCAGTGGGTCCCATTCTGTGCGGACAGAACTCAGAACCTGTTAAGAAATAT-3'
Protein context (NP_056994.3, residues 281-301): RTEWDPLDVR[Phe291Cys]GTKQPYQVFT

ClinVar aggregate classification (germline): Uncertain significance (1 of 4 stars; one submission).

Conditions:
WDPCP-related disorder. Also called: WDPCP-related condition.

Submission:

PreventionGenetics, part of Exact Sciences
Classification: Uncertain significance for WDPCP-related condition. Last evaluated: 2026-04-06. Review status: criteria provided, single submitter. Criteria: ACMG Guidelines, 2015. Collection method: clinical testing. Allele origin: germline.
Comment: The WDPCP c.872T>G variant is predicted to result in the amino acid substitution p.Phe291Cys. To our knowledge, this variant has not been reported in the literature or in a large population database (gnomAD), indicating this variant is rare. At this time, the clinical significance of this variant is uncertain due to the absence of conclusive functional and genetic evidence.